The following is an entry in ClinVar:

ClinVar aggregate classification (germline): Uncertain significance (1 of 4 stars; one submission).

Conditions:
Hepatic methionine adenosyltransferase deficiency. Also called: Methionine adenosyltransferase deficiency; MAT I/III DEFICIENCY; Deficiency of methionine adenosyltransferase; Isolated Persistent Hypermethioninemia. Identifiers: Orphanet 168598, MedGen C0268621, MeSH C564683, MONDO:0009607, OMIM 250850.

gnomAD v4.1: 1 of 1,614,144 alleles (0.000062%); highest among the groups gnomAD compares: Non-Finnish European, 0.000085%; no homozygotes.

Submission:

Labcorp Genetics (formerly Invitae), Labcorp
Classification: Uncertain significance for Hepatic methionine adenosyltransferase deficiency. Last evaluated: 2021-06-14. Review status: criteria provided, single submitter. Criteria: Invitae Variant Classification Sherloc (09022015). Collection method: clinical testing. Allele origin: germline.
Comment: This sequence change replaces lysine with glutamic acid at codon 61 of the MAT1A protein (p.Lys61Glu). The lysine residue is highly conserved and there is a small physicochemical difference between lysine and glutamic acid. This variant is not present in population databases (ExAC no frequency). This variant has not been reported in the literature in individuals with MAT1A-related conditions. Algorithms developed to predict the effect of missense changes on protein structure and function are either unavailable or do not agree on the potential impact of this missense change (SIFT: "Deleterious"; PolyPhen-2: "Benign"; Align-GVGD: "Class C55"). In summary, the available evidence is currently insufficient to determine the role of this variant in disease. Therefore, it has been classified as a Variant of Uncertain Significance.

NM_000429.3(MAT1A):c.181A>G (p.Lys61Glu)

Gene: MAT1A (methionine adenosyltransferase 1A; minus strand). Cytogenetic location: 10q22.3.
Variant type: single nucleotide variant.
Coding change: c.181A>G on transcript NM_000429.3 (MANE Select); coding-DNA position 181, A replaced by G.
Protein change: p.Lys61Glu; replaces lysine 61 with glutamic acid.
Molecular consequence: missense variant.
Genome position (GRCh38, 1-based): chr10:80,284,027, T>C on the plus strand (A>G on the coding strand, the complement: MAT1A is on the minus strand). VCF-style: chr10-80284027-T-C. GRCh37 (hg19) VCF-style: chr10-82043783-T-C.
Other names: short protein forms K61E.
Identifiers: ClinVar variation 1484954 (VCV001484954.8), dbSNP rs116443228, ClinGen allele CA377363639.
Genomic context (GRCh38, chr10:80,284,027, plus strand): 5'-GCTGGTAGTCCACCATGGCCATTGAGGTGATCTCACCACACAGCAGCACCATGCCGGTCT[T>C]GCACACTGTCTCTGAAAGGGAGCGGGGAGCGAGGAGAGTTAGCAGCCAAGTGCCAGCAAA-3'
Protein context (NP_000420.1, residues 51-71): NAKVACETVC[Lys61Glu]TGMVLLCGEI